The following is an entry in ClinVar:

NM_001430.5(EPAS1):c.1490A>C (p.Lys497Thr)

Gene: EPAS1 (endothelial PAS domain protein 1; plus strand). Cytogenetic location: 2p21.
Variant type: single nucleotide variant.
Coding change: c.1490A>C on transcript NM_001430.5 (MANE Select); coding-DNA position 1490, A replaced by C.
Protein change: p.Lys497Thr; replaces lysine 497 with threonine.
Molecular consequence: missense variant.
Genome position (GRCh38, 1-based): chr2:46,378,703, A>C. VCF-style: chr2-46378703-A-C. GRCh37 (hg19) VCF-style: chr2-46605842-A-C.
Other names: short protein forms K497T.
Identifiers: ClinVar variation 1773764 (VCV001773764.2), dbSNP rs1390015848, ClinGen allele CA346704219.

ClinVar aggregate classification (germline): Uncertain significance (1 of 4 stars; one submission).

Conditions:
Inborn genetic diseases. Identifiers: MedGen C0950123, MeSH D030342.

Allele frequency attached by ClinVar (database versions not stated): gnomAD exomes below 0.00001.
gnomAD v4.1: 1 of 1,614,210 alleles (0.000062%); highest among the groups gnomAD compares: Non-Finnish European, 0.000085%; no homozygotes.

Submission:

Ambry Genetics
Classification: Uncertain significance for Inborn genetic diseases. Last evaluated: 2023-10-19. Review status: criteria provided, single submitter. Criteria: Ambry Variant Classification Scheme 2023. Collection method: clinical testing. Allele origin: germline.
Comment: The p.K497T variant (also known as c.1490A>C), located in coding exon 11 of the EPAS1 gene, results from an A to C substitution at nucleotide position 1490. The lysine at codon 497 is replaced by threonine, an amino acid with similar properties. This amino acid position is conserved. In addition, the in silico prediction for this alteration is inconclusive. Since supporting evidence is limited at this time, the clinical significance of this alteration remains unclear.